The following is an entry in ClinVar:

NM_014043.4(CHMP2B):c.*1255G>T

Gene: CHMP2B (charged multivesicular body protein 2B; plus strand). Cytogenetic location: 3p11.2.
Variant type: single nucleotide variant.
Coding change: c.*1255G>T on transcript NM_014043.4 (MANE Select); 1255 bases downstream of the stop codon, G replaced by T.
Molecular consequence: 3 prime UTR variant.
Genome position (GRCh38, 1-based): chr3:87,255,077, G>T. VCF-style: chr3-87255077-G-T. GRCh37 (hg19) VCF-style: chr3-87304227-G-T.
Other names: c.*1255G>T (NM_001244644.2).
Identifiers: ClinVar variation 900479 (VCV000900479.4), dbSNP rs144167614, ClinGen allele CA79035888.

ClinVar aggregate classification (germline): Benign (1 of 4 stars; one submission).

Conditions:
Frontotemporal dementia and/or amyotrophic lateral sclerosis 7 (FTDALS7). Also called: CHMP2B-related frontotemporal dementia; CHMP2B-Related Frontotemporal Dementia-Amyotrophic Lateral Sclerosis; AMYOTROPHIC LATERAL SCLEROSIS, CHMP2B-RELATED; Amyotrophic lateral sclerosis 17. Identifiers: Orphanet 275864, Orphanet 282, Orphanet 803, MedGen C1833296, MONDO:0010936, OMIM 600795.

Allele frequency attached by ClinVar (database versions not stated): gnomAD 0.00228 and 0.00241; TOPMed 0.00271; 1000 Genomes Project 30x 0.00312; 1000 Genomes Project 0.00319.

Submission:

Illumina Laboratory Services, Illumina
Classification: Benign for Frontotemporal dementia and/or amyotrophic lateral sclerosis 7. Last evaluated: 2018-01-13. Review status: criteria provided, single submitter. Criteria: ICSL Variant Classification Criteria 13 December 2019. Collection method: clinical testing. Allele origin: germline.
Comment: This variant was observed in the ICSL laboratory as part of a predisposition screen in an ostensibly healthy population. It had not been previously curated by ICSL or reported in the Human Gene Mutation Database (HGMD: prior to June 1st, 2018), and was therefore a candidate for classification through an automated scoring system. Utilizing variant allele frequency, disease prevalence and penetrance estimates, and inheritance mode, an automated score was calculated to assess if this variant is too frequent to cause the disease. Based on the score and internal cut-off values, a variant classified as benign is not then subjected to further curation. The score for this variant resulted in a classification of benign for this disease.